The following is an entry in ClinVar:

ClinVar aggregate classification (germline): Uncertain significance (1 of 4 stars; one submission).

Conditions:
Inborn genetic diseases. Identifiers: MedGen C0950123, MeSH D030342.

gnomAD v4.1: 3 of 1,613,946 alleles (0.00019%); highest among the groups gnomAD compares: South Asian, 0.0011%; no homozygotes.

Submission:

Ambry Genetics
Classification: Uncertain significance for Inborn genetic diseases. Last evaluated: 2025-10-05. Review status: criteria provided, single submitter. Criteria: Ambry Variant Classification Scheme 2023. Collection method: clinical testing. Allele origin: germline.
Comment: The p.R769Q variant (also known as c.2306G>A), located in coding exon 16 of the MIB1 gene, results from a G to A substitution at nucleotide position 2306. The arginine at codon 769 is replaced by glutamine, an amino acid with highly similar properties. This amino acid position is conserved. In addition, the in silico prediction for this alteration is inconclusive. Based on the available evidence, the clinical significance of this variant remains unclear.

NM_020774.4(MIB1):c.2306G>A (p.Arg769Gln)

Gene: MIB1 (MIB E3 ubiquitin protein ligase 1; plus strand). Cytogenetic location: 18q11.2.
Variant type: single nucleotide variant.
Coding change: c.2306G>A on transcript NM_020774.4 (MANE Select); coding-DNA position 2306, G replaced by A.
Protein change: p.Arg769Gln; replaces arginine 769 with glutamine.
Molecular consequence: missense variant.
Genome position (GRCh38, 1-based): chr18:21,847,038, G>A. VCF-style: chr18-21847038-G-A. GRCh37 (hg19) VCF-style: chr18-19426999-G-A.
Other names: short protein forms R769Q.
Identifiers: ClinVar variation 4624995 (VCV004624995.1).
Genomic context (GRCh38, chr18:21,847,038, plus strand): 5'-AGAAGAGTGCAGCATCTATTGCCTGTTTCTTGGCAGCCAATGGTGCTGACCTGAGCATTC[G>A]AAATAAGAAGGGTCAATCGCCACTTGATCTCTGTCCTGATCCGAATCTCTGCAAAGCACT-3'
Protein context (NP_065825.1, residues 759-779): LAANGADLSI[Arg769Gln]NKKGQSPLDL